The following is an entry in ClinVar:

NM_001281775.3(ZMYND8):c.3065G>A (p.Arg1022Gln)

Gene: ZMYND8 (zinc finger MYND-type containing 8; minus strand). Cytogenetic location: 20q13.12.
Variant type: single nucleotide variant.
Coding change: c.3065G>A on transcript NM_001281775.3 (MANE Select); coding-DNA position 3065, G replaced by A.
Protein change: p.Arg1022Gln; replaces arginine 1022 with glutamine.
Molecular consequence: missense variant.
Genome position (GRCh38, 1-based): chr20:47,224,508, C>T on the plus strand (G>A on the coding strand, the complement: ZMYND8 is on the minus strand). VCF-style: chr20-47224508-C-T. GRCh37 (hg19) VCF-style: chr20-45853161-C-T.
Other names: c.2609G>A, p.Arg870Gln (NM_001281771.3); c.3005G>A, p.Arg1002Gln (NM_001281772.3, NM_001281773.3, NM_001363741.2); c.2867G>A, p.Arg956Gln (NM_001281774.3); c.2684G>A, p.Arg895Gln (NM_001281776.3); c.2852G>A, p.Arg951Gln (NM_001281777.3, NM_183048.4); c.2990G>A, p.Arg997Gln (NM_001281778.3); c.2123G>A, p.Arg708Gln (NM_001281779.3, NM_001281780.3); c.2711G>A, p.Arg904Gln (NM_001281781.3); and 5 more; short protein forms R1002Q, R1022Q, R1029Q, R708Q, R870Q, R895Q, R904Q, R924Q.
Identifiers: ClinVar variation 3778382 (VCV003778382.7).
Genomic context (GRCh38, chr20:47,224,508, plus strand): 5'-GTCTCATCCACCGCCTGCTGCTTCTCCAACTCCAGCTGCTTCTTCACCTCGGCGATGAGC[C>T]GGTCCCGCTCCTGCTCCAGGCTCTGCCGCATCTCCGCCATGGTCAGCTCTGGTGGAGGAG-3'
Protein context (NP_001268704.1, residues 1012-1032): MRQSLEQERD[Arg1022Gln]LIAEVKKQLE

ClinVar aggregate classification (germline): Uncertain significance (1 of 4 stars; one submission).

gnomAD v4.1: 1 of 1,614,124 alleles (0.000062%); highest among the groups gnomAD compares: Non-Finnish European, 0.000085%; no homozygotes.

Submission:

CeGaT Center for Human Genetics Tuebingen
Classification: Uncertain significance. Last evaluated: 2025-02-01. Review status: criteria provided, single submitter. Criteria: CeGaT Center For Human Genetics Tuebingen Variant Classification Criteria Version 2. Collection method: clinical testing. Allele origin: germline. Affected: yes. Observed: 1 variant allele.
Comment: ZMYND8: PM2